The following is an entry in ClinVar:

ClinVar aggregate classification (germline): Pathogenic/Likely pathogenic. Review status: criteria provided, multiple submitters, no conflicts (2 of 4 stars). 3 submissions from 3 submitters: Pathogenic (1); Likely pathogenic (2). Last evaluated 2023-10-03.

Conditions:
SLC4A1-related disorder. Also called: SLC4A1-related condition; SLC4A1-related disorders.
BLOOD GROUP--DIEGO SYSTEM (DI). Identifiers: MedGen C1292286, OMIM 110500.

Submissions (3):

PreventionGenetics, part of Exact Sciences
Classification: Likely pathogenic for SLC4A1-related condition. Last evaluated: 2023-10-03. Review status: criteria provided, single submitter. Criteria: ACMG Guidelines, 2015. Collection method: clinical testing. Allele origin: germline.
Comment: The SLC4A1 c.1801-2A>G variant is predicted to disrupt the AG splice acceptor site and interfere with normal splicing. This variant was reported in an individual with autosomal dominant hereditary spherocytosis (Tole et al 2020. PubMed ID: 32436265). This variant has not been reported in a large population database, indicating this variant is rare. Variants that disrupt the consensus splice acceptor site in SLC4A1 are expected to be pathogenic. This variant is interpreted as likely pathogenic.

Revvity Omics, Revvity
Classification: Pathogenic. Last evaluated: 2023-08-29. Review status: criteria provided, single submitter. Criteria: ACMG Guidelines, 2015. Collection method: clinical testing. Allele origin: germline.

Mendelics
Classification: Likely pathogenic for BLOOD GROUP--DIEGO SYSTEM. Last evaluated: 2022-05-04. Review status: criteria provided, single submitter. Criteria: Mendelics Assertion Criteria 2019. Collection method: clinical testing. Allele origin: germline.

NM_000342.4(SLC4A1):c.1801-2A>G

Gene: SLC4A1 (solute carrier family 4 member 1 (Diego blood group); minus strand). Cytogenetic location: 17q21.31.
Variant type: single nucleotide variant.
Coding change: c.1801-2A>G on transcript NM_000342.4 (MANE Select); the canonical splice acceptor site of the intron before coding-DNA position 1801, A replaced by G.
Molecular consequence: splice acceptor variant.
Genome position (GRCh38, 1-based): chr17:44,255,298, T>C on the plus strand (A>G on the coding strand, the complement: SLC4A1 is on the minus strand). VCF-style: chr17-44255298-T-C. GRCh37 (hg19) VCF-style: chr17-42332666-T-C.
Other names: c.1801-2A>G (NM_000342.3).
Identifiers: ClinVar variation 1685443 (VCV001685443.3), dbSNP rs2144607086, ClinGen allele CA399784002.